The following is an entry in ClinVar:

NM_001040716.2(PC):c.1318G>T (p.Ala440Ser)

Gene: PC (pyruvate carboxylase; minus strand). Cytogenetic location: 11q13.2.
Variant type: single nucleotide variant.
Coding change: c.1318G>T on transcript NM_001040716.2 (MANE Select); coding-DNA position 1318, G replaced by T.
Protein change: p.Ala440Ser; replaces alanine 440 with serine.
Molecular consequence: missense variant.
Genome position (GRCh38, 1-based): chr11:66,863,824, C>A on the plus strand (G>T on the coding strand, the complement: PC is on the minus strand). VCF-style: chr11-66863824-C-A. GRCh37 (hg19) VCF-style: chr11-66631295-C-A.
Other names: p.Ala440Ser; c.1318G>T, p.Ala440Ser (NM_000920.4, NM_001439352.1, NM_001439353.1 and 5 more transcripts); short protein forms A440S.
Identifiers: ClinVar variation 4541640 (VCV004541640.1).

ClinVar aggregate classification (germline): Uncertain significance (1 of 4 stars; one submission).

gnomAD v4.1: 1 of 1,613,608 alleles (0.000062%); highest among the groups gnomAD compares: Non-Finnish European, 0.000085%; no homozygotes.

Submission:

Mayo Clinic Laboratories, Mayo Clinic
Classification: Uncertain significance. Last evaluated: 2025-08-20. Review status: criteria provided, single submitter. Criteria: ACMG Guidelines, 2015. Collection method: clinical testing. Allele origin: germline. Observed: 1 variant allele.
Comment: BP4, PM2_supporting